The following is an entry in ClinVar:

ClinVar aggregate classification (germline): Uncertain significance (1 of 4 stars; one submission).

Conditions:
Eichsfeld type congenital muscular dystrophy (CMYO3). Also called: Rigid spine muscular dystrophy 1; MYOPATHY, SEPN1-RELATED; SELENON-related myopathy; Congenital myopathy 3 with rigid spine. Identifiers: MedGen C0410180, MONDO:0100100, OMIM 602771.

Allele frequency attached by ClinVar (database versions not stated): gnomAD 0.00001; gnomAD exomes 0.00001; TOPMed 0.00001; ExAC 0.00002.
gnomAD v4.1: 15 of 1,613,810 alleles (0.00093%); highest among the groups gnomAD compares: South Asian, 0.0044%; no homozygotes.

Submission:

Labcorp Genetics (formerly Invitae), Labcorp
Classification: Uncertain significance for Eichsfeld type congenital muscular dystrophy. Last evaluated: 2022-06-20. Review status: criteria provided, single submitter. Criteria: Invitae Variant Classification Sherloc (09022015). Collection method: clinical testing. Allele origin: germline.
Comment: This sequence change replaces aspartic acid, which is acidic and polar, with asparagine, which is neutral and polar, at codon 328 of the SELENON protein (p.Asp328Asn). This variant is present in population databases (rs771240009, gnomAD 0.006%). This variant has not been reported in the literature in individuals affected with SELENON-related conditions. ClinVar contains an entry for this variant (Variation ID: 1055642). Algorithms developed to predict the effect of missense changes on protein structure and function (SIFT, PolyPhen-2, Align-GVGD) all suggest that this variant is likely to be tolerated. In summary, the available evidence is currently insufficient to determine the role of this variant in disease. Therefore, it has been classified as a Variant of Uncertain Significance.

NM_206926.2(SELENON):c.880G>A (p.Asp294Asn)

Gene: SELENON (selenoprotein N; plus strand). Cytogenetic location: 1p36.11.
Variant type: single nucleotide variant.
Coding change: c.880G>A on transcript NM_206926.2 (MANE Select); coding-DNA position 880, G replaced by A.
Protein change: p.Asp294Asn; replaces aspartic acid 294 with asparagine.
Molecular consequence: missense variant.
Genome position (GRCh38, 1-based): chr1:25,809,792, G>A. VCF-style: chr1-25809792-G-A. GRCh37 (hg19) VCF-style: chr1-26136283-G-A.
Other names: c.982G>A, p.Asp328Asn (NM_020451.3); short protein forms D294N, D328N.
Identifiers: ClinVar variation 1055642 (VCV001055642.12), dbSNP rs771240009, ClinGen allele CA696702.